The following is an entry in ClinVar:

NM_016604.4(KDM3B):c.1364C>T (p.Ser455Leu)

Gene: KDM3B (lysine demethylase 3B; plus strand). Cytogenetic location: 5q31.2.
Variant type: single nucleotide variant.
Coding change: c.1364C>T on transcript NM_016604.4 (MANE Select); coding-DNA position 1364, C replaced by T.
Protein change: p.Ser455Leu; replaces serine 455 with leucine.
Molecular consequence: missense variant.
Genome position (GRCh38, 1-based): chr5:138,386,605, C>T. VCF-style: chr5-138386605-C-T. GRCh37 (hg19) VCF-style: chr5-137722294-C-T.
Other names: short protein forms S455L.
Identifiers: ClinVar variation 3533048 (VCV003533048.2).
Genomic context (GRCh38, chr5:138,386,605, plus strand): 5'-GGATCTCAGACACTGGCCTTGCAGCAGGGACTGTGCCAGAAAAACAGAAAGGCAGCCGGT[C>T]GCAGGCCTCGGGAGAGGTGAGTTACTTCAGGGGCAGATTTGCAAGATTTGGGTTTACTCT-3'
Protein context (NP_057688.3, residues 445-465): TVPEKQKGSR[Ser455Leu]QASGENSRNS

ClinVar aggregate classification (germline): Likely benign. Review status: criteria provided, multiple submitters, no conflicts (2 of 4 stars). 2 submissions from 2 submitters: Likely benign (2). Last evaluated 2026-08-01.

Conditions:
Inborn genetic diseases. Identifiers: MedGen C0950123, MeSH D030342.

Submissions (2):

CeGaT Center for Human Genetics Tuebingen
Classification: Likely benign. Last evaluated: 2026-08-01. Review status: criteria provided, single submitter. Criteria: CeGaT Center For Human Genetics Tuebingen Variant Classification Criteria Version 2. Collection method: clinical testing. Allele origin: germline. Affected: yes. Observed: 1 variant allele.
Comment: KDM3B: BP4, BS2

Ambry Genetics
Classification: Likely benign for Inborn genetic diseases. Last evaluated: 2024-11-15. Review status: criteria provided, single submitter. Criteria: Ambry Variant Classification Scheme 2023. Collection method: clinical testing. Allele origin: germline.